The following is an entry in ClinVar:

ClinVar aggregate classification (germline): Pathogenic (1 of 4 stars; one submission).

Conditions:
Familial cancer of breast. Also called: Hereditary breast cancer; BREAST CANCER, FAMILIAL; hereditary breast carcinoma. Identifiers: Orphanet 227535, MedGen C0346153, MONDO:0016419, OMIM 114480. Disease mechanism: loss of function.

Submission:

Myriad Genetics, Inc.
Classification: Pathogenic for Familial cancer of breast. Last evaluated: 2023-09-14. Review status: criteria provided, single submitter. Criteria: Myriad Autosomal Dominant, Autosomal Recessive and X-Linked Classification Criteria (2023). Collection method: clinical testing. Allele origin: unknown.
Comment: This variant is considered pathogenic. This variant creates a frameshift predicted to result in premature protein truncation.

NM_024675.4(PALB2):c.3291del (p.Lys1098fs)

Gene: PALB2 (partner and localizer of BRCA2; minus strand). Cytogenetic location: 16p12.2.
Variant type: Deletion.
Coding change: c.3291del on transcript NM_024675.4 (MANE Select); coding-DNA position 3291, one base deleted (T; older notation c.3291delT).
Protein change: p.Lys1098fs; shifts the reading frame from lysine 1098.
Molecular consequence: frameshift variant. On other transcripts: intron variant (8).
Genome position (GRCh38, 1-based): chr16:23,607,923, A deleted on the plus strand (T on the coding strand, the reverse complement: PALB2 is on the minus strand). VCF-style (leftmost placement, unchanged base first): chr16-23607922-TA-T. GRCh37 (hg19) VCF-style: chr16-23619243-TA-T.
Other names: c.3231del, p.Lys1078fs (NM_001407296.1); c.3219del, p.Lys1074fs (NM_001407297.1); c.3129del, p.Lys1044fs (NM_001407298.1); c.3012del, p.Lys1005fs (NM_001407300.1); c.2406del, p.Lys803fs (NM_001407304.1, NM_001407305.1, NM_001407306.1); c.2244del, p.Lys749fs (NM_001407307.1); c.1503del, p.Lys502fs (NM_001407312.1); c.825del, p.Lys276fs (NM_001407314.1); and 6 more; short protein forms K1005fs, K1044fs, K1074fs, K1078fs, K1098fs, K276fs, K502fs, K749fs.
Identifiers: ClinVar variation 2674158 (VCV002674158.1), dbSNP rs2506215747, ClinGen allele CA2695197589.